The following is an entry in ClinVar:

ClinVar aggregate classification (germline): Likely benign. Review status: criteria provided, multiple submitters, no conflicts (2 of 4 stars). 2 submissions from 2 submitters: Likely benign (2). Last evaluated 2025-12-05.

Conditions:
Epileptic encephalopathy. Identifiers: MedGen C0543888, HP:0200134.

Allele frequency attached by ClinVar (database versions not stated): gnomAD 0.00001; ExAC 0.00002; TOPMed 0.00002; gnomAD exomes 0.00003 and 0.00005.
gnomAD v4.1: 41 of 1,613,484 alleles (0.0025%); highest among the groups gnomAD compares: Admixed American, 0.01%; no homozygotes.

Submissions (2):

Labcorp Genetics (formerly Invitae), Labcorp
Classification: Likely benign for Epileptic encephalopathy. Last evaluated: 2025-12-05. Review status: criteria provided, single submitter. Criteria: Invitae Variant Classification Sherloc (09022015). Collection method: clinical testing. Allele origin: germline.

CeGaT Center for Human Genetics Tuebingen
Classification: Likely benign. Last evaluated: 2025-07-01. Review status: criteria provided, single submitter. Criteria: CeGaT Center For Human Genetics Tuebingen Variant Classification Criteria Version 2. Collection method: clinical testing. Allele origin: germline. Affected: yes. Observed: 1 variant allele.
Comment: GABBR2: BP4, BP7

NM_005458.8(GABBR2):c.855C>T (p.Tyr285=)

Gene: GABBR2 (gamma-aminobutyric acid type B receptor subunit 2; minus strand). Cytogenetic location: 9q22.33.
Variant type: single nucleotide variant.
Coding change: c.855C>T on transcript NM_005458.8 (MANE Select); coding-DNA position 855, C replaced by T.
Protein change: p.Tyr285=; no amino-acid change (tyrosine 285 retained).
Molecular consequence: synonymous variant.
Genome position (GRCh38, 1-based): chr9:98,473,290, G>A on the plus strand (C>T on the coding strand, the complement: GABBR2 is on the minus strand). VCF-style: chr9-98473290-G-A. GRCh37 (hg19) VCF-style: chr9-101235572-G-A.
Identifiers: ClinVar variation 1597828 (VCV001597828.16), dbSNP rs758329114, ClinGen allele CA5152863.
Genomic context (GRCh38, chr9:98,473,290, plus strand): 5'-CTTCCGGAGGCAGCGGGATGAGTTGGCTTCCGTGTGCACCTGCTCCCACCAAGAAGGCTC[G>A]TACCAGCCCGGAATGATCCACTGATATTTACTACCATACATGTTCTCCTCGTATGCCTGT-3'
Protein context (NP_005449.5, residues 275-295): SKYQWIIPGW[Tyr285=]EPSWWEQVHT